The following is an entry in ClinVar:

NM_000552.5(VWF):c.997+9C>A

Gene: VWF (von Willebrand factor; minus strand). Cytogenetic location: 12p13.31.
Variant type: single nucleotide variant.
Coding change: c.997+9C>A on transcript NM_000552.5 (MANE Select); 9 bases into the intron after coding-DNA position 997, C replaced by A.
Molecular consequence: intron variant.
Genome position (GRCh38, 1-based): chr12:6,073,610, G>T on the plus strand (C>A on the coding strand, the complement: VWF is on the minus strand). VCF-style: chr12-6073610-G-T. GRCh37 (hg19) VCF-style: chr12-6182776-G-T.
Identifiers: ClinVar variation 3572189 (VCV003572189.1).

ClinVar aggregate classification (germline): Uncertain significance (1 of 4 stars; one submission).

gnomAD v4.1: 4 of 1,613,948 alleles (0.00025%); highest among the groups gnomAD compares: East Asian, 0.0067%; no homozygotes.

Submission:

Quest Diagnostics Nichols Institute San Juan Capistrano
Classification: Uncertain significance. Last evaluated: 2024-01-16. Review status: criteria provided, single submitter. Criteria: Quest Diagnostics criteria. Collection method: clinical testing. Allele origin: unknown.
Comment: The VWF c.997+9C>A variant has not been reported in individuals with VWF-related conditions in the published literature. The frequency of this variant in the general population, 0.00033 (6/18392 chromosomes (Genome Aggregation Database)), is uninformative in the assessment of its pathogenicity. Analysis of this variant using software algorithms for the prediction of the effect of nucleotide changes on splicing yielded predictions that this variant does not affect VWF mRNA splicing. Based on the available information, we are unable to determine the clinical significance of this variant.